The following is an entry in ClinVar:

NM_000088.4(COL1A1):c.1156-1G>C

Gene: COL1A1 (collagen type I alpha 1 chain; minus strand). Cytogenetic location: 17q21.33.
Variant type: single nucleotide variant.
Coding change: c.1156-1G>C on transcript NM_000088.4 (MANE Select); the canonical splice acceptor site of the intron before coding-DNA position 1156, G replaced by C.
Molecular consequence: splice acceptor variant.
Genome position (GRCh38, 1-based): chr17:50,195,479, C>G on the plus strand (G>C on the coding strand, the complement: COL1A1 is on the minus strand). VCF-style: chr17-50195479-C-G. GRCh37 (hg19) VCF-style: chr17-48272840-C-G.
Identifiers: ClinVar variation 4996675 (VCV004996675.1).
Genomic context (GRCh38, chr17:50,195,479, plus strand): 5'-TGGCAGGATACTTACATTGGCACCTTTAGCACCAGGCTGTCCATCAGCACCAGGGTTTCC[C>G]TGTGGCACAGAGAAAGGAGTGTCAGCAACAGGCAAGGACTCTGAGGTTAGAAAGTGGCAA-3'

ClinVar aggregate classification (germline): Pathogenic (1 of 4 stars; one submission).

Conditions:
COL1A1-related disorder. Also called: COL1A1- related disease; COL1A1-related condition.

Submission:

PreventionGenetics, part of Exact Sciences
Classification: Pathogenic for COL1A1-related condition. Last evaluated: 2026-06-09. Review status: criteria provided, single submitter. Criteria: ACMG Guidelines, 2015. Collection method: clinical testing. Allele origin: germline.
Comment: The COL1A1 c.1156-1G>C variant is predicted to disrupt the AG splice acceptor site and interfere with normal splicing. To our knowledge, this variant has not been reported in the literature or in a large population database (gnomAD), indicating this variant is rare. A different nucleotide change impacting the same splice acceptor site (c.1156-1G>A) has been reported in the heterozygous state in an individual with osteogenesis imperfecta type I (Schleit et al. 2015. PubMed ID: 25963598). Variants that disrupt the consensus splice acceptor site in COL1A1 are expected to be pathogenic. This variant is interpreted as pathogenic.